The following is an entry in ClinVar:

ClinVar aggregate classification (germline): Uncertain significance (1 of 4 stars; one submission).

Allele frequency attached by ClinVar (database versions not stated): ExAC 0.00003; gnomAD 0.00003; TOPMed 0.00003; gnomAD exomes 0.00004; 1000 Genomes Project 0.00020; 1000 Genomes Project 30x 0.00031.
gnomAD v4.1: 65 of 1,613,060 alleles (0.004%); highest among the groups gnomAD compares: East Asian, 0.14%; no homozygotes.

Submission:

Labcorp Genetics (formerly Invitae), Labcorp
Classification: Uncertain significance. Last evaluated: 2023-01-20. Review status: criteria provided, single submitter. Criteria: Invitae Variant Classification Sherloc (09022015). Collection method: clinical testing. Allele origin: germline.
Comment: In summary, the available evidence is currently insufficient to determine the role of this variant in disease. Therefore, it has been classified as a Variant of Uncertain Significance. Algorithms developed to predict the effect of missense changes on protein structure and function output the following: SIFT: "Tolerated"; PolyPhen-2: "Benign"; Align-GVGD: "Class C0". The valine amino acid residue is found in multiple mammalian species, which suggests that this missense change does not adversely affect protein function. This variant has not been reported in the literature in individuals affected with LRRK1-related conditions. This variant is present in population databases (rs201939674, gnomAD 0.08%). This sequence change replaces isoleucine, which is neutral and non-polar, with valine, which is neutral and non-polar, at codon 1257 of the LRRK1 protein (p.Ile1257Val).

NM_024652.6(LRRK1):c.3769A>G (p.Ile1257Val)

Genes: LRRK1 (leucine rich repeat kinase 1; plus strand), LRRK1-AS1 (LRRK1 antisense RNA 1; minus strand). Cytogenetic location: 15q26.3.
Variant type: single nucleotide variant.
Coding change: c.3769A>G on transcript NM_024652.6 (MANE Select); coding-DNA position 3769, A replaced by G.
Protein change: p.Ile1257Val; replaces isoleucine 1257 with valine.
Molecular consequence: missense variant.
Genome position (GRCh38, 1-based): chr15:101,053,001, A>G. VCF-style: chr15-101053001-A-G. GRCh37 (hg19) VCF-style: chr15-101593206-A-G.
Other names: short protein forms I1257V.
Identifiers: ClinVar variation 2190190 (VCV002190190.4), dbSNP rs201939674, ClinGen allele CA7761639.